The following is an entry in ClinVar:

NM_020964.3(EPG5):c.4952+2dup

Gene: EPG5 (ectopic P-granules 5 autophagy tethering factor; minus strand). Cytogenetic location: 18q12.3.
Variant type: Duplication.
Coding change: c.4952+2dup on transcript NM_020964.3 (MANE Select); the canonical splice donor site of the intron after coding-DNA position 4952, one base duplicated (T; older notation c.4952+2dupT).
Molecular consequence: splice donor variant.
Genome position (GRCh38, 1-based): chr18:45,889,796, A duplicated on the plus strand (T on the coding strand, the reverse complement: EPG5 is on the minus strand). VCF-style (leftmost placement, unchanged base first): chr18-45889795-T-TA. GRCh37 (hg19) VCF-style: chr18-43469760-T-TA.
Identifiers: ClinVar variation 1508208 (VCV001508208.7), dbSNP rs2145491038, ClinGen allele CA2573155391.

ClinVar aggregate classification (germline): Uncertain significance (1 of 4 stars; one submission).

Conditions:
Vici syndrome (VICIS). Identifiers: Orphanet 1493, MedGen C1855772, MONDO:0009452, OMIM 242840.

Submission:

Labcorp Genetics (formerly Invitae), Labcorp
Classification: Uncertain significance for Vici syndrome. Last evaluated: 2022-06-03. Review status: criteria provided, single submitter. Criteria: Invitae Variant Classification Sherloc (09022015). Collection method: clinical testing. Allele origin: germline.
Comment: ClinVar contains an entry for this variant (Variation ID: 1508208). This sequence change falls in intron 28 of the EPG5 gene. It does not directly change the encoded amino acid sequence of the EPG5 protein. It affects a nucleotide within the consensus splice site. This variant is not present in population databases (gnomAD no frequency). This variant has not been reported in the literature in individuals affected with EPG5-related conditions. Variants that disrupt the consensus splice site are a relatively common cause of aberrant splicing (PMID: 17576681, 9536098). Algorithms developed to predict the effect of sequence changes on RNA splicing suggest that this variant may disrupt the consensus splice site. In summary, the available evidence is currently insufficient to determine the role of this variant in disease. Therefore, it has been classified as a Variant of Uncertain Significance.

Literature cited by the submitters: PubMed 17576681; PubMed 9536098.